The following is an entry in ClinVar:

NM_006078.5(CACNG2):c.212-12C>A

Gene: CACNG2 (calcium voltage-gated channel auxiliary subunit gamma 2; minus strand). Cytogenetic location: 22q12.3.
Variant type: single nucleotide variant.
Coding change: c.212-12C>A on transcript NM_006078.5 (MANE Select); 12 bases into the intron before coding-DNA position 212, C replaced by A.
Molecular consequence: intron variant.
Genome position (GRCh38, 1-based): chr22:36,587,560, G>T on the plus strand (C>A on the coding strand, the complement: CACNG2 is on the minus strand). VCF-style: chr22-36587560-G-T. GRCh37 (hg19) VCF-style: chr22-36983607-G-T.
Other names: NC_000022.10:g.36983607G>T; c.143-12C>A (NM_001379051.1).
Identifiers: ClinVar variation 376862 (VCV000376862.5), dbSNP rs146357556, ClinGen allele CA10212231.
Genomic context (GRCh38, chr22:36,587,560, plus strand): 5'-GCATCCTCTGGGAAGTGATCAATTTGCTTGCACAGACCTTTGAAATTCCCTGCAAAACAA[G>T]GGGAGAAGGAGCACATGAAACATCATAGTTTTGGGGGCGCTTAGGGCCCACCTGCCTCTT-3'

ClinVar aggregate classification (germline): Likely benign. Review status: criteria provided, multiple submitters, no conflicts (2 of 4 stars). 2 submissions from 2 submitters: Likely benign (2). Last evaluated 2017-02-09.

Allele frequency attached by ClinVar (database versions not stated): 1000 Genomes Project 30x 0.00187; gnomAD 0.00210; 1000 Genomes Project 0.00220; TOPMed 0.00282; gnomAD exomes 0.00303; ExAC 0.00321; ESP Exome Variant Server 0.00338.
gnomAD v4.1: 6,328 of 1,595,580 alleles (0.4%); highest among the groups gnomAD compares: Non-Finnish European, 0.46%; 21 homozygotes.

Submissions (3):

Center for Pediatric Genomic Medicine, Children's Mercy Hospital and Clinics
Classification: Likely benign. Last evaluated: 2017-02-09. Review status: criteria provided, single submitter. Criteria: ACMG Guidelines, 2015. Collection method: clinical testing. Allele origin: germline.
ClinVar note: Converted during submission from Likely Benign to Likely benign.

Breakthrough Genomics
Classification: Likely benign. Review status: criteria provided, single submitter. Criteria: ACMG Guidelines, 2015. Collection method: not provided. Allele origin: germline. Inheritance: Autosomal dominant inheritance. Affected: yes.

Dr. Peter K. Rogan Lab, Western University
No classification provided (evidence only). Condition: Gastric cancer. Review status: no classification provided. Collection method: in vitro. Allele origin: not applicable. Functional consequence: retained intron. Not counted in ClinVar's aggregate classification.